The following is an entry in ClinVar:

NM_007103.4(NDUFV1):c.156-2A>G

Gene: NDUFV1 (NADH:ubiquinone oxidoreductase core subunit V1; plus strand). Cytogenetic location: 11q13.2.
Variant type: single nucleotide variant.
Coding change: c.156-2A>G on transcript NM_007103.4 (MANE Select); the canonical splice acceptor site of the intron before coding-DNA position 156, A replaced by G.
Molecular consequence: splice acceptor variant.
Genome position (GRCh38, 1-based): chr11:67,608,550, A>G. VCF-style: chr11-67608550-A-G. GRCh37 (hg19) VCF-style: chr11-67376021-A-G.
Other names: c.129-2A>G (NM_001166102.2).
Identifiers: ClinVar variation 2137165 (VCV002137165.6), dbSNP rs921833941, ClinGen allele CA224178871.

ClinVar aggregate classification (germline): Likely pathogenic. Review status: criteria provided, multiple submitters, no conflicts (2 of 4 stars). 3 submissions from 3 submitters: Likely pathogenic (3). Last evaluated 2026-01-25.

Conditions:
NDUFV1-related disorder. Also called: NDUFV1-related condition; NDUFV1-related disorders.
Mitochondrial complex I deficiency, nuclear type 4. Also called: Mitochondrial complex 1 deficiency, nuclear type 4. Identifiers: MedGen C4748753, MONDO:0032609, OMIM 618225.

Allele frequency attached by ClinVar (database versions not stated): TOPMed below 0.00001; gnomAD exomes 0.00001.
gnomAD v4.1: 11 of 1,614,164 alleles (0.00068%); highest among the groups gnomAD compares: Non-Finnish European, 0.00076%; no homozygotes.

Submissions (3):

Labcorp Genetics (formerly Invitae), Labcorp
Classification: Likely pathogenic. Last evaluated: 2026-01-25. Review status: criteria provided, single submitter. Criteria: Invitae Variant Classification Sherloc (09022015). Collection method: clinical testing. Allele origin: germline.
Comment: This sequence change affects an acceptor splice site in intron 2 of the NDUFV1 gene. It is expected to disrupt RNA splicing. Variants that disrupt the donor or acceptor splice site typically lead to a loss of protein function (PMID: 16199547), and loss-of-function variants in NDUFV1 are known to be pathogenic (PMID: 10080174, 11349233). This variant is present in population databases (no rsID available, gnomAD 0.002%). Disruption of this splice site has been observed in individual(s) with Leigh syndrome (PMID: 26024641). ClinVar contains an entry for this variant (Variation ID: 2137165). Algorithms developed to predict the effect of sequence changes on RNA splicing suggest that this variant may disrupt the consensus splice site. In summary, the currently available evidence indicates that the variant is pathogenic, but additional data are needed to prove that conclusively. Therefore, this variant has been classified as Likely Pathogenic.

Blueprint Genetics
Classification: Likely pathogenic for NDUFV1-related disorders. Last evaluated: 2024-03-28. Review status: criteria provided, single submitter. Criteria: ACMG Guidelines, 2015. Collection method: clinical testing. Allele origin: germline. Affected: yes. Observed: 2 variant alleles.

Fulgent Genetics
Classification: Likely pathogenic for Mitochondrial complex I deficiency, nuclear type 4. Last evaluated: 2024-03-23. Review status: criteria provided, single submitter. Criteria: ACMG Guidelines, 2015. Collection method: clinical testing. Allele origin: germline.

Literature cited by the submitters: PubMed 16199547 (cited by Labcorp Genetics (formerly Invitae), Labcorp); PubMed 10080174 (cited by Labcorp Genetics (formerly Invitae), Labcorp); PubMed 11349233 (cited by Labcorp Genetics (formerly Invitae), Labcorp); PubMed 26024641 (cited by Labcorp Genetics (formerly Invitae), Labcorp).